The following is an entry in ClinVar:

NM_003970.4(MYOM2):c.4200C>T (p.Tyr1400=)

Gene: MYOM2 (myomesin 2; plus strand). Cytogenetic location: 8p23.3.
Variant type: single nucleotide variant.
Coding change: c.4200C>T on transcript NM_003970.4 (MANE Select); coding-DNA position 4200, C replaced by T.
Protein change: p.Tyr1400=; no amino-acid change (tyrosine 1400 retained).
Molecular consequence: synonymous variant.
Genome position (GRCh38, 1-based): chr8:2,144,783, C>T. VCF-style: chr8-2144783-C-T. GRCh37 (hg19) VCF-style: chr8-2092707-C-T.
Identifiers: ClinVar variation 3041688 (VCV003041688.2), dbSNP rs35586881, ClinGen allele CA170467265.

ClinVar aggregate classification (germline): Benign (0 of 4 stars; one submission).

Conditions:
MYOM2-related disorder. Also called: MYOM2-related condition.

Allele frequency attached by ClinVar (database versions not stated): gnomAD exomes 0.00144; ExAC 0.00461; 1000 Genomes Project 0.01438; 1000 Genomes Project 30x 0.01452; gnomAD 0.01515; ESP Exome Variant Server 0.01592; TOPMed 0.01659.

Submission:

PreventionGenetics, part of Exact Sciences
Classification: Benign for MYOM2-related condition. Last evaluated: 2019-05-16. Review status: no assertion criteria provided. Collection method: clinical testing. Allele origin: germline.
Comment: This variant is classified as benign based on ACMG/AMP sequence variant interpretation guidelines (Richards et al. 2015 PMID: 25741868, with internal and published modifications).